The following is an entry in ClinVar:

NM_003285.3(TNR):c.3792G>A (p.Ala1264=)

Gene: TNR (tenascin R; minus strand). Cytogenetic location: 1q25.1.
Variant type: single nucleotide variant.
Coding change: c.3792G>A on transcript NM_003285.3 (MANE Select); coding-DNA position 3792, G replaced by A.
Protein change: p.Ala1264=; no amino-acid change (alanine 1264 retained).
Molecular consequence: synonymous variant.
Genome position (GRCh38, 1-based): chr1:175,330,075, C>T on the plus strand (G>A on the coding strand, the complement: TNR is on the minus strand). VCF-style: chr1-175330075-C-T. GRCh37 (hg19) VCF-style: chr1-175299211-C-T.
Other names: c.2793G>A, p.Ala931= (NM_001328635.2).
Identifiers: ClinVar variation 3054367 (VCV003054367.2), dbSNP rs370406157, ClinGen allele CA1255219.

ClinVar aggregate classification (germline): Likely benign (0 of 4 stars; one submission).

Conditions:
TNR-related disorder. Also called: TNR-related condition.

Allele frequency attached by ClinVar (database versions not stated): ExAC 0.00011; TOPMed 0.00011; ESP Exome Variant Server 0.00023; 1000 Genomes Project 30x 0.00016; gnomAD 0.00016; 1000 Genomes Project 0.00020.
gnomAD v4.1: 399 of 1,578,980 alleles (0.025%); highest among the groups gnomAD compares: East Asian, 0.034%; no homozygotes.

Submission:

PreventionGenetics, part of Exact Sciences
Classification: Likely benign for TNR-related condition. Last evaluated: 2022-12-29. Review status: no assertion criteria provided. Collection method: clinical testing. Allele origin: germline.
Comment: This variant is classified as likely benign based on ACMG/AMP sequence variant interpretation guidelines (Richards et al. 2015 PMID: 25741868, with internal and published modifications).